The following is an entry in ClinVar:

NM_000350.3(ABCA4):c.2993T>C (p.Leu998Pro)

Gene: ABCA4 (ATP binding cassette subfamily A member 4; minus strand). Cytogenetic location: 1p22.1.
Variant type: single nucleotide variant.
Coding change: c.2993T>C on transcript NM_000350.3 (MANE Select); coding-DNA position 2993, T replaced by C.
Protein change: p.Leu998Pro; replaces leucine 998 with proline.
Molecular consequence: missense variant.
Genome position (GRCh38, 1-based): chr1:94,044,670, A>G on the plus strand (T>C on the coding strand, the complement: ABCA4 is on the minus strand). VCF-style: chr1-94044670-A-G. GRCh37 (hg19) VCF-style: chr1-94510226-A-G.
Other names: c.2771T>C, p.Leu924Pro (NM_001425324.1); short protein forms L998P, L924P.
Identifiers: ClinVar variation 938163 (VCV000938163.7), dbSNP rs1660621523, ClinGen allele CA341275132.
Genomic context (GRCh38, chr1:94,044,670, plus strand): 5'-TACTGGTGGAACAGGATGTTGTGCTGTGGACACATGCCAAGGCTCTGCCGGACTGCATCC[A>G]GGCTGGTTTCAATGTCCCTTCCCCCAACGAGCACAGTCCCAGAGGTTGGTGGCAACAGAC-3'
Protein context (NP_000341.2, residues 988-1008): LVGGRDIETS[Leu998Pro]DAVRQSLGMC

ClinVar aggregate classification (germline): Uncertain significance (1 of 4 stars; one submission).

Allele frequency attached by ClinVar (database versions not stated): gnomAD exomes below 0.00001.
gnomAD v4.1: 2 of 1,614,184 alleles (0.00012%); highest among the groups gnomAD compares: South Asian, 0.0022%; no homozygotes.

Submission:

Labcorp Genetics (formerly Invitae), Labcorp
Classification: Uncertain significance. Last evaluated: 2021-09-01. Review status: criteria provided, single submitter. Criteria: Invitae Variant Classification Sherloc (09022015). Collection method: clinical testing. Allele origin: germline.
Comment: This sequence change replaces leucine with proline at codon 998 of the ABCA4 protein (p.Leu998Pro). The leucine residue is highly conserved and there is a moderate physicochemical difference between leucine and proline. This variant is not present in population databases (ExAC no frequency). This variant has not been reported in the literature in individuals affected with ABCA4-related conditions. Algorithms developed to predict the effect of missense changes on protein structure and function (SIFT, PolyPhen-2, Align-GVGD) all suggest that this variant is likely to be disruptive. In summary, the available evidence is currently insufficient to determine the role of this variant in disease. Therefore, it has been classified as a Variant of Uncertain Significance.